The following is an entry in ClinVar:

NM_147127.5(EVC2):c.644G>A (p.Trp215Ter)

Gene: EVC2 (EvC ciliary complex subunit 2; minus strand). Cytogenetic location: 4p16.2.
Variant type: single nucleotide variant.
Coding change: c.644G>A on transcript NM_147127.5 (MANE Select); coding-DNA position 644, G replaced by A.
Protein change: p.Trp215Ter; replaces tryptophan 215 with a stop codon.
Molecular consequence: nonsense.
Genome position (GRCh38, 1-based): chr4:5,689,219, C>T on the plus strand (G>A on the coding strand, the complement: EVC2 is on the minus strand). VCF-style: chr4-5689219-C-T. GRCh37 (hg19) VCF-style: chr4-5690946-C-T.
Other names: c.404G>A, p.Trp135Ter (NM_001166136.2); short protein forms W135*, W215*.
Identifiers: ClinVar variation 962143 (VCV000962143.11), dbSNP rs1720937470, ClinGen allele CA356148345.
Genomic context (GRCh38, chr4:5,689,219, plus strand): 5'-TGCAGAAACTTCTTGCTAAAAGCCTGGAATCCTTCCGAGGTCCTGTTTCCCACAGAGTCC[C>T]AAATGGTGAGACCAGCAATGCTGTCCAGCAAGAGCAGCTCCGAGAGGTTGGCTGACGAGG-3'

ClinVar aggregate classification (germline): Conflicting classifications of pathogenicity. Review status: criteria provided, conflicting classifications (1 of 4 stars). 2 submissions from 2 submitters: Pathogenic (1); Likely benign (1). Last evaluated 2026-01-10.

Conditions:
Ellis-van Creveld syndrome (EVC). Also called: EVC-Related Ellis-van Creveld Syndrome; EVC2-Related Ellis-van Creveld Syndrome; Chondroectodermal dysplasia; MESOECTODERMAL DYSPLASIA. Identifiers: Orphanet 289, MedGen C0013903, MONDO:0009162, OMIM 225500.
Curry-Hall syndrome (WAD). Also called: WEYERS ACRODENTAL DYSOSTOSIS. Identifiers: Orphanet 952, MedGen C0457013, MONDO:0008673, OMIM 193530.

Allele frequency attached by ClinVar (database versions not stated): TOPMed below 0.00001; gnomAD 0.00001.
gnomAD v4.1: 2 of 1,614,066 alleles (0.00012%); highest among the groups gnomAD compares: African/African-American, 0.0027%; no homozygotes.

Submissions (2):

Prenatal Diagnosis Unit, University Medical Center at Ho Chi Minh City, University of Medicine and Pharmacy at Ho Chi Minh City
Classification: Likely benign for Curry-Hall syndrome. Last evaluated: 2026-01-10. Review status: criteria provided, single submitter. Criteria: ACMG Guidelines, 2015. Collection method: provider interpretation. Allele origin: unknown. Inheritance: Autosomal dominant inheritance. Affected: no. Observed: 1 variant allele.
Comment: This nonsense mutation in exon 6 results in a stop codon of EVC2 gene, predicted to cause a truncation of the encoded protein or absence of the protein due to nonsense mediated decay. However, the penetrance for monoallelic variants is incomplete, making phenotypic expression in individuals with Weyers acrofacial Dysostosis (WAD) unpredictable and to date, all reported WAD cases were only associated with the last exon of EVC2, exon 22 (PMID: 38531627). This nonsense variant has been reported in individuals without any symptoms (PMID: 37107645, PMID: 22406498). The PhyloP100way conservation score of –0.358 indicates that the affected nucleotide is not highly conserved across species. In conclusion, this variant is classified as a likely benign variant for WAD according to the ACMG/AMP 2015 guidelines, based on criteria BS1 and BP4.

Labcorp Genetics (formerly Invitae), Labcorp
Classification: Pathogenic for Curry-Hall syndrome; Ellis-van Creveld syndrome. Last evaluated: 2019-08-23. Review status: criteria provided, single submitter. Criteria: Invitae Variant Classification Sherloc (09022015). Collection method: clinical testing. Allele origin: germline.
Comment: Algorithms developed to predict the effect of sequence changes on RNA splicing suggest that this variant may create or strengthen a splice site, but this prediction has not been confirmed by published transcriptional studies. This nonsense change has been observed in an individual affected with Ellis-van Creveld syndrome (PMID: 22406498). This variant is not present in population databases (ExAC no frequency). This sequence change creates a premature translational stop signal (p.Trp215*) in the EVC2 gene. It is expected to result in an absent or disrupted protein product. Loss-of-function variants in EVC2 are known to be pathogenic (PMID: 17024374, 19810119, 19876929). For these reasons, this variant has been classified as Pathogenic.

Literature cited by the submitters: PubMed 38531627 (cited by Prenatal Diagnosis Unit, University Medical Center at Ho Chi Minh City, University of Medicine and Pharmacy at Ho Chi Minh City); PubMed 37107645 (cited by Prenatal Diagnosis Unit, University Medical Center at Ho Chi Minh City, University of Medicine and Pharmacy at Ho Chi Minh City); PubMed 22406498 (cited by Prenatal Diagnosis Unit, University Medical Center at Ho Chi Minh City, University of Medicine and Pharmacy at Ho Chi Minh City and Labcorp Genetics (formerly Invitae), Labcorp); PubMed 17024374 (cited by Labcorp Genetics (formerly Invitae), Labcorp); PubMed 19810119 (cited by Labcorp Genetics (formerly Invitae), Labcorp); PubMed 19876929 (cited by Labcorp Genetics (formerly Invitae), Labcorp).